The following is an entry in ClinVar:

NM_015001.3(SPEN):c.2272C>T (p.Arg758Ter)

Gene: SPEN (spen family transcriptional repressor; plus strand). Cytogenetic location: 1p36.13.
Variant type: single nucleotide variant.
Coding change: c.2272C>T on transcript NM_015001.3 (MANE Select); coding-DNA position 2272, C replaced by T.
Protein change: p.Arg758Ter; replaces arginine 758 with a stop codon.
Molecular consequence: nonsense.
Genome position (GRCh38, 1-based): chr1:15,928,512, C>T. VCF-style: chr1-15928512-C-T. GRCh37 (hg19) VCF-style: chr1-16255007-C-T.
Other names: short protein forms R758*.
Identifiers: ClinVar variation 4173490 (VCV004173490.1).

ClinVar aggregate classification (germline): Pathogenic (1 of 4 stars; one submission).

Conditions:
Inborn genetic diseases. Identifiers: MedGen C0950123, MeSH D030342.

gnomAD v4.1: 1 of 1,614,014 alleles (0.000062%); highest among the groups gnomAD compares: Non-Finnish European, 0.000085%; no homozygotes.

Submission:

Ambry Genetics
Classification: Pathogenic for Inborn genetic diseases. Last evaluated: 2025-07-25. Review status: criteria provided, single submitter. Criteria: Ambry Variant Classification Scheme 2023. Collection method: clinical testing. Allele origin: germline.
Comment: The c.2272C>T (p.R758*) alteration, located in exon 11 (coding exon 11) of the SPEN gene, consists of a C to T substitution at nucleotide position 2272. This changes the amino acid from a arginine (R) to a stop codon at amino acid position 758. This alteration is expected to result in loss of function by premature protein truncation or nonsense-mediated mRNA decay. Based on data from gnomAD, this allele has an overall frequency of <0.001% (1/251168) total alleles studied. The highest observed frequency was 0.001% (1/113522) of European (non-Finnish) alleles. Based on the available evidence, this alteration is classified as pathogenic.